The following is an entry in ClinVar:

NM_001048174.2(MUTYH):c.1431T>G (p.Cys477Trp)

Gene: MUTYH (mutY DNA glycosylase; minus strand). Cytogenetic location: 1p34.1.
Variant type: single nucleotide variant.
Coding change: c.1431T>G on transcript NM_001048174.2 (MANE Select); coding-DNA position 1431, T replaced by G.
Protein change: p.Cys477Trp; replaces cysteine 477 with tryptophan.
Molecular consequence: missense variant. On other transcripts: non-coding transcript variant (7).
Genome position (GRCh38, 1-based): chr1:45,330,519, A>C on the plus strand (T>G on the coding strand, the complement: MUTYH is on the minus strand). VCF-style: chr1-45330519-A-C. GRCh37 (hg19) VCF-style: chr1-45796191-A-C.
Other names: c.1431T>G, p.Cys477Trp (NM_001048171.2, NM_001048173.2, NM_001293195.2 and 6 more transcripts); c.1434T>G, p.Cys478Trp (NM_001048172.2, NM_001407086.1, NM_001407071.1 and 1 more transcripts); c.1515T>G, p.Cys505Trp (NM_001128425.2); c.1476T>G, p.Cys492Trp (NM_001293190.2); c.1464T>G, p.Cys488Trp (NM_001293191.2, NM_001407069.1, NM_001407077.1); c.1155T>G, p.Cys385Trp (NM_001293192.2, NM_001293196.2, NM_001407091.1); c.1086T>G, p.Cys362Trp (NM_001350650.2, NM_001350651.2, NM_001407082.1); c.1473T>G, p.Cys491Trp (NM_001407083.1, NM_001407085.1); and 5 more; short protein forms C464W, C484W, C488W, C492W, C491W, C505W, C385W, C449W.
Identifiers: ClinVar variation 4113309 (VCV004113309.1).

ClinVar aggregate classification (germline): Uncertain significance (1 of 4 stars; one submission).

Conditions:
Hereditary cancer-predisposing syndrome. Also called: Tumor predisposition; Neoplastic Syndromes, Hereditary; Hereditary neoplastic syndrome; Hereditary Cancer Syndrome. Identifiers: Orphanet 140162, MedGen C0027672, MeSH D009386, MONDO:0015356.

Submission:

Ambry Genetics
Classification: Uncertain significance for Hereditary cancer-predisposing syndrome. Last evaluated: 2025-08-27. Review status: criteria provided, single submitter. Criteria: Ambry Variant Classification Scheme 2023. Collection method: clinical testing. Allele origin: germline.
Comment: The p.C505W variant (also known as c.1515T>G), located in coding exon 15 of the MUTYH gene, results from a T to G substitution at nucleotide position 1515. The cysteine at codon 505 is replaced by tryptophan, an amino acid with highly dissimilar properties. This amino acid position is conserved. In addition, this alteration is predicted to be tolerated by in silico analysis. Based on the available evidence, the clinical significance of this variant remains unclear.